The following is an entry in ClinVar:

ClinVar aggregate classification (germline): Likely benign (1 of 4 stars; one submission).

gnomAD v4.1: 775 of 1,613,780 alleles (0.048%); highest among the groups gnomAD compares: African/African-American, 0.8%; 5 homozygotes.

Submission:

CeGaT Center for Human Genetics Tuebingen
Classification: Likely benign. Last evaluated: 2026-04-01. Review status: criteria provided, single submitter. Criteria: CeGaT Center For Human Genetics Tuebingen Variant Classification Criteria Version 2. Collection method: clinical testing. Allele origin: germline. Affected: yes. Observed: 2 variant alleles.
Comment: VPS35L: BP4, BP7

NM_020314.7(VPS35L):c.1812G>A (p.Pro604=)

Gene: VPS35L (VPS35 endosomal protein sorting factor like; plus strand). Cytogenetic location: 16p12.3.
Variant type: single nucleotide variant.
Coding change: c.1812G>A on transcript NM_020314.7 (MANE Select); coding-DNA position 1812, G replaced by A.
Protein change: p.Pro604=; no amino-acid change (proline 604 retained).
Molecular consequence: synonymous variant. On other transcripts: non-coding transcript variant (2).
Genome position (GRCh38, 1-based): chr16:19,642,423, G>A. VCF-style: chr16-19642423-G-A. GRCh37 (hg19) VCF-style: chr16-19653745-G-A.
Other names: c.1611G>A, p.Pro537= (NM_001300743.3, NM_001365294.2); c.1812G>A, p.Pro604= (NM_001365293.2); c.924G>A, p.Pro308= (NM_001365295.2).
Identifiers: ClinVar variation 4821177 (VCV004821177.4).